The following is an entry in ClinVar:

ClinVar aggregate classification (germline): Pathogenic (1 of 4 stars; one submission).

Conditions:
Megaconial type congenital muscular dystrophy (MDCMC). Also called: CHKB-Related Muscle Diseases; MUSCULAR DYSTROPHY, CONGENITAL, WITH MITOCHONDRIAL STRUCTURAL ABNORMALITIES; CHKB-Related Muscular Dystrophy. Identifiers: Orphanet 280671, MedGen C1865233, MONDO:0011246, OMIM 602541.

Allele frequency attached by ClinVar (database versions not stated): gnomAD exomes 0.00001.
gnomAD v4.1: 9 of 1,610,410 alleles (0.00056%); highest among the groups gnomAD compares: Non-Finnish European, 0.00076%; no homozygotes.

Submission:

Labcorp Genetics (formerly Invitae), Labcorp
Classification: Pathogenic for Megaconial type congenital muscular dystrophy. Last evaluated: 2023-12-18. Review status: criteria provided, single submitter. Criteria: Invitae Variant Classification Sherloc (09022015). Collection method: clinical testing. Allele origin: germline.
Comment: This sequence change creates a premature translational stop signal (p.Arg63*) in the CHKB gene. It is expected to result in an absent or disrupted protein product. Loss-of-function variants in CHKB are known to be pathogenic (PMID: 21665002). This variant is not present in population databases (gnomAD no frequency). This variant has not been reported in the literature in individuals affected with CHKB-related conditions. For these reasons, this variant has been classified as Pathogenic.

Literature cited by the submitters: PubMed 21665002.

NM_005198.5(CHKB):c.187C>T (p.Arg63Ter)

Genes: CHKB (choline kinase beta; minus strand), CHKB-CPT1B (CHKB-CPT1B readthrough (NMD candidate); minus strand). Cytogenetic location: 22q13.33.
Variant type: single nucleotide variant.
Coding change: c.187C>T on transcript NM_005198.5 (MANE Select); coding-DNA position 187, C replaced by T.
Protein change: p.Arg63Ter; replaces arginine 63 with a stop codon.
Molecular consequence: nonsense. On other transcripts: non-coding transcript variant (1).
Genome position (GRCh38, 1-based): chr22:50,582,595, G>A on the plus strand (C>T on the coding strand, the complement: CHKB is on the minus strand). VCF-style: chr22-50582595-G-A. GRCh37 (hg19) VCF-style: chr22-51021024-G-A.
Other names: short protein forms R63*.
Identifiers: ClinVar variation 2849953 (VCV002849953.3), dbSNP rs1346110970, ClinGen allele CA412203138.
Genomic context (GRCh38, chr22:50,582,595, plus strand): 5'-GAGGCTGACCCCTGACCTCCCACCTCACGGGGTAAACCCTCAGCTCCTCGGGCTGCACTC[G>A]GCGCCAGGCCCCGCCCAAGTACTCCCGGCACCATTGGTAGGCTCGGCGCTCGGCGTCACG-3'